The following is an entry in ClinVar:

NM_020708.5(SLC12A5):c.147+1G>A

Gene: SLC12A5 (solute carrier family 12 member 5; plus strand). Cytogenetic location: 20q13.12.
Variant type: single nucleotide variant.
Coding change: c.147+1G>A on transcript NM_020708.5 (MANE Select); the canonical splice donor site of the intron after coding-DNA position 147, G replaced by A.
Molecular consequence: splice donor variant.
Genome position (GRCh38, 1-based): chr20:46,035,043, G>A. VCF-style: chr20-46035043-G-A. GRCh37 (hg19) VCF-style: chr20-44663682-G-A.
Other names: c.216+1G>A (NM_001134771.2).
Identifiers: ClinVar variation 2093602 (VCV002093602.4), dbSNP rs2515631656, ClinGen allele CA409187063.

ClinVar aggregate classification (germline): Likely pathogenic (1 of 4 stars; one submission).

Conditions:
Developmental and epileptic encephalopathy, 34 (DEE34). Also called: SLC12A5-Related Epilepsy of Infancy with Migrating Focal Seizures; Early infantile epileptic encephalopathy 34. Identifiers: Orphanet 293181, MedGen C4225257, MONDO:0014718, OMIM 616645.

Submission:

Labcorp Genetics (formerly Invitae), Labcorp
Classification: Likely pathogenic for Developmental and epileptic encephalopathy, 34. Last evaluated: 2022-02-05. Review status: criteria provided, single submitter. Criteria: Invitae Variant Classification Sherloc (09022015). Collection method: clinical testing. Allele origin: germline.
Comment: This sequence change affects a donor splice site in intron 2 of the SLC12A5 gene. It is expected to disrupt RNA splicing. Variants that disrupt the donor or acceptor splice site typically lead to a loss of protein function (PMID: 16199547), and loss-of-function variants in SLC12A5 are known to be pathogenic (PMID: 26333769, 27436767). This variant is not present in population databases (gnomAD no frequency). Disruption of this splice site has been observed in individual(s) with clinical features of developmental and epileptic encephalopathy (Invitae). Algorithms developed to predict the effect of sequence changes on RNA splicing suggest that this variant may disrupt the consensus splice site. In summary, the currently available evidence indicates that the variant is pathogenic, but additional data are needed to prove that conclusively. Therefore, this variant has been classified as Likely Pathogenic.

Literature cited by the submitters: PubMed 16199547; PubMed 26333769; PubMed 27436767.